The following is an entry in ClinVar:

ClinVar aggregate classification (germline): Uncertain significance (1 of 4 stars; one submission).

Allele frequency attached by ClinVar (database versions not stated): gnomAD exomes 0.00001; TOPMed 0.00001; 1000 Genomes Project 30x 0.00016.

Submission:

Labcorp Genetics (formerly Invitae), Labcorp
Classification: Uncertain significance. Last evaluated: 2021-10-28. Review status: criteria provided, single submitter. Criteria: Invitae Variant Classification Sherloc (09022015). Collection method: clinical testing. Allele origin: germline.
Comment: In summary, the available evidence is currently insufficient to determine the role of this variant in disease. Therefore, it has been classified as a Variant of Uncertain Significance. Algorithms developed to predict the effect of missense changes on protein structure and function are either unavailable or do not agree on the potential impact of this missense change (SIFT: "Deleterious"; PolyPhen-2: "Benign"; Align-GVGD: "Class C0"). This variant has not been reported in the literature in individuals affected with PDE8B-related conditions. This variant is present in population databases (rs535530044, gnomAD 0.003%). This sequence change replaces arginine, which is basic and polar, with tryptophan, which is neutral and slightly polar, at codon 163 of the PDE8B protein (p.Arg163Trp).

NM_003719.5(PDE8B):c.487C>T (p.Arg163Trp)

Gene: PDE8B (phosphodiesterase 8B; plus strand). Cytogenetic location: 5q13.3.
Variant type: single nucleotide variant.
Coding change: c.487C>T on transcript NM_003719.5 (MANE Select); coding-DNA position 487, C replaced by T.
Protein change: p.Arg163Trp; replaces arginine 163 with tryptophan.
Molecular consequence: missense variant.
Genome position (GRCh38, 1-based): chr5:77,325,626, C>T. VCF-style: chr5-77325626-C-T. GRCh37 (hg19) VCF-style: chr5-76621451-C-T.
Other names: c.487C>T, p.Arg163Trp (NM_001029851.4, NM_001029852.4, NM_001029854.4 and 2 more transcripts); c.427C>T, p.Arg143Trp (NM_001029853.4); c.484C>T, p.Arg162Trp (NM_001349748.3, NM_001349751.3, NM_001376065.1); c.550C>T, p.Arg184Trp (NM_001349749.3); c.247C>T, p.Arg83Trp (NM_001349750.3); c.181C>T, p.Arg61Trp (NM_001349752.3, NM_001376071.1); c.115C>T, p.Arg39Trp (NM_001349753.2, NM_001376067.1, NM_001376068.1 and 1 more transcripts); c.184C>T, p.Arg62Trp (NM_001376062.1, NM_001376070.1, NM_001376072.1 and 1 more transcripts); and 2 more; short protein forms R39W, R184W, R62W, R83W, R143W, R162W, R82W, R163W.
Identifiers: ClinVar variation 1427397 (VCV001427397.7), dbSNP rs535530044, ClinGen allele CA121055206.
Genomic context (GRCh38, chr5:77,325,626, plus strand): 5'-AGTCAGAGCGATGGCTTCTGGTGGGCCTGCGACAGAGCTGGTTATAGATGCAATATTGCT[C>T]GGACTCCAGAGTCAGCCCTTGAATGCTTTCTTGATAAGCATCATGAAATTATTGTAATTG-3'
Protein context (NP_003710.1, residues 153-173): DRAGYRCNIA[Arg163Trp]TPESALECFL